The following is an entry in ClinVar:

NM_000264.5(PTCH1):c.1627C>T (p.Arg543Cys)

Gene: PTCH1 (patched 1; minus strand). Cytogenetic location: 9q22.32.
Variant type: single nucleotide variant.
Coding change: c.1627C>T on transcript NM_000264.5 (MANE Select); coding-DNA position 1627, C replaced by T.
Protein change: p.Arg543Cys; replaces arginine 543 with cysteine.
Molecular consequence: missense variant. On other transcripts: non-coding transcript variant (1).
Genome position (GRCh38, 1-based): chr9:95,476,135, G>A on the plus strand (C>T on the coding strand, the complement: PTCH1 is on the minus strand). VCF-style: chr9-95476135-G-A. GRCh37 (hg19) VCF-style: chr9-98238417-G-A.
Other names: c.1627C>T (NM_000264.4); c.1429C>T, p.Arg477Cys (NM_001083602.3); c.1624C>T, p.Arg542Cys (NM_001083603.3); c.1174C>T, p.Arg392Cys (NM_001083604.3, NM_001083605.3, NM_001083606.3 and 1 more transcripts); c.1471C>T, p.Arg491Cys (NM_001354918.2); short protein forms R491C, R477C, R392C, R542C, R543C.
Identifiers: ClinVar variation 946454 (VCV000946454.14), dbSNP rs137903539, ClinGen allele CA5138597.

ClinVar aggregate classification (germline): Conflicting classifications of pathogenicity. Review status: criteria provided, conflicting classifications (1 of 4 stars). 4 submissions from 4 submitters: Uncertain significance (3); Likely benign (1). Last evaluated 2025-09-18.

Conditions:
Hereditary cancer-predisposing syndrome. Also called: Neoplastic Syndromes, Hereditary; Hereditary neoplastic syndrome; Hereditary Cancer Syndrome; Tumor predisposition. Identifiers: Orphanet 140162, MedGen C0027672, MeSH D009386, MONDO:0015356.
Gorlin syndrome. Also called: Nevoid Basal Cell Carcinoma Syndrome; Basal cell nevus syndrome. Identifiers: Orphanet 377, MedGen C0004779, MONDO:0007187.

Allele frequency attached by ClinVar (database versions not stated): gnomAD exomes below 0.00001; ESP Exome Variant Server 0.00008.
gnomAD v4.1: 3 of 1,613,108 alleles (0.00019%); highest among the groups gnomAD compares: Admixed American, 0.0017%; no homozygotes.

Submissions (4):

Labcorp Genetics (formerly Invitae), Labcorp
Classification: Likely benign for Gorlin syndrome. Last evaluated: 2025-09-18. Review status: criteria provided, single submitter. Criteria: Invitae Variant Classification Sherloc (09022015). Collection method: clinical testing. Allele origin: germline.

Ambry Genetics
Classification: Uncertain significance for Hereditary cancer-predisposing syndrome. Last evaluated: 2025-03-03. Review status: criteria provided, single submitter. Criteria: Ambry Variant Classification Scheme 2023. Collection method: clinical testing. Allele origin: germline.
Comment: The p.R543C variant (also known as c.1627C>T), located in coding exon 12 of the PTCH1 gene, results from a C to T substitution at nucleotide position 1627. The arginine at codon 543 is replaced by cysteine, an amino acid with highly dissimilar properties. This amino acid position is highly conserved in available vertebrate species. In addition, this alteration is predicted to be deleterious by in silico analysis. Since supporting evidence is limited at this time, the clinical significance of this alteration remains unclear.

Quest Diagnostics Nichols Institute San Juan Capistrano
Classification: Uncertain significance. Last evaluated: 2023-11-24. Review status: criteria provided, single submitter. Criteria: Quest Diagnostics criteria. Collection method: clinical testing. Allele origin: unknown.
Comment: The PTCH1 c.1627C>T (p.Arg543Cys) variant has not been reported in individuals with PTCH1-related conditions in the published literature. The frequency of this variant in the general population, 0.000004 (1/248530 chromosomes (Genome Aggregation Database)), is uninformative in the assessment of its pathogenicity. Analysis of this variant using bioinformatics tools for the prediction of the effect of amino acid changes on protein structure and function yielded predictions that this variant is damaging. Based on the available information, we are unable to determine the clinical significance of this variant.

GeneDx
Classification: Uncertain significance. Last evaluated: 2023-03-23. Review status: criteria provided, single submitter. Criteria: GeneDx Variant Classification Process June 2021. Collection method: clinical testing. Allele origin: germline. Affected: yes.
Comment: Not observed at significant frequency in large population cohorts (gnomAD); In silico analysis supports that this missense variant has a deleterious effect on protein structure/function; Has not been previously published as pathogenic or benign to our knowledge; This variant is associated with the following publications: (PMID: 30202019, 11369205)